The following is an entry in ClinVar:

NM_001276270.2(MBD4):c.1371T>C (p.Thr457=)

Gene: MBD4 (methyl-CpG binding domain 4, DNA glycosylase; minus strand). Cytogenetic location: 3q21.3.
Variant type: single nucleotide variant.
Coding change: c.1371T>C on transcript NM_001276270.2 (MANE Select); coding-DNA position 1371, T replaced by C.
Protein change: p.Thr457=; no amino-acid change (threonine 457 retained).
Molecular consequence: synonymous variant.
Genome position (GRCh38, 1-based): chr3:129,433,872, A>G on the plus strand (T>C on the coding strand, the complement: MBD4 is on the minus strand). VCF-style: chr3-129433872-A-G. GRCh37 (hg19) VCF-style: chr3-129152715-A-G.
Other names: c.1389T>C, p.Thr463= (NM_001276271.2, NM_001276272.2, NM_003925.3); c.435T>C, p.Thr145= (NM_001276273.2).
Identifiers: ClinVar variation 3713776 (VCV003713776.4).

ClinVar aggregate classification (germline): Benign/Likely benign. Review status: criteria provided, multiple submitters, no conflicts (2 of 4 stars). 3 submissions from 3 submitters: Benign (1); Likely benign (2). Last evaluated 2026-06-11.

Conditions:
Inborn genetic diseases. Identifiers: MedGen C0950123, MeSH D030342.
Tumor predisposition syndrome 2 (TPDS2). Also called: MBD4-Related Tumor Predisposition Syndrome; MBD4-associated neoplasia syndrome (MANS); MBD4-ASSOCIATED NEOPLASIA SYNDROME. Identifiers: Orphanet 661526, MedGen C5774186, MONDO:0859267, OMIM 619975.

gnomAD v4.1: 4 of 1,614,080 alleles (0.00025%); highest among the groups gnomAD compares: African/African-American, 0.0027%; no homozygotes.

Submissions (3):

Myriad Genetics, Inc.
Classification: Benign for Tumor predisposition syndrome 2. Last evaluated: 2026-06-11. Review status: criteria provided, single submitter. Criteria: Myriad Autosomal Dominant, Autosomal Recessive and X-Linked Classification Criteria (2023). Collection method: clinical testing. Allele origin: unknown.
Comment: This variant is considered benign. This variant is a silent/synonymous amino acid change and it is not expected to impact splicing.

Labcorp Genetics (formerly Invitae), Labcorp
Classification: Likely benign. Last evaluated: 2025-06-24. Review status: criteria provided, single submitter. Criteria: Invitae Variant Classification Sherloc (09022015). Collection method: clinical testing. Allele origin: germline.

Ambry Genetics
Classification: Likely benign for Inborn genetic diseases. Last evaluated: 2025-01-10. Review status: criteria provided, single submitter. Criteria: Ambry Variant Classification Scheme 2023. Collection method: clinical testing. Allele origin: germline.